The following is an entry in ClinVar:

ClinVar aggregate classification (germline): Uncertain significance (1 of 4 stars; one submission).

Allele frequency attached by ClinVar (database versions not stated): gnomAD exomes below 0.00001; ExAC 0.00001; gnomAD 0.00001; TOPMed 0.00001.
gnomAD v4.1: 4 of 1,613,722 alleles (0.00025%); highest among the groups gnomAD compares: Non-Finnish European, 0.00034%; no homozygotes.

Submission:

Labcorp Genetics (formerly Invitae), Labcorp
Classification: Uncertain significance. Last evaluated: 2024-06-25. Review status: criteria provided, single submitter. Criteria: Invitae Variant Classification Sherloc (09022015). Collection method: clinical testing. Allele origin: germline.
Comment: This sequence change replaces alanine, which is neutral and non-polar, with threonine, which is neutral and polar, at codon 516 of the SEPT9 protein (p.Ala516Thr). The frequency data for this variant in the population databases is considered unreliable, as metrics indicate poor data quality at this position in the gnomAD database. This variant has not been reported in the literature in individuals affected with SEPT9-related conditions. Advanced modeling of protein sequence and biophysical properties (such as structural, functional, and spatial information, amino acid conservation, physicochemical variation, residue mobility, and thermodynamic stability) performed at Invitae indicates that this missense variant is not expected to disrupt SEPT9 protein function with a negative predictive value of 80%. In summary, the available evidence is currently insufficient to determine the role of this variant in disease. Therefore, it has been classified as a Variant of Uncertain Significance.

NM_001113491.2(SEPTIN9):c.1600G>A (p.Ala534Thr)

Gene: SEPTIN9 (septin 9; plus strand). Cytogenetic location: 17q25.3.
Variant type: single nucleotide variant.
Coding change: c.1600G>A on transcript NM_001113491.2 (MANE Select); coding-DNA position 1600, G replaced by A.
Protein change: p.Ala534Thr; replaces alanine 534 with threonine.
Molecular consequence: missense variant.
Genome position (GRCh38, 1-based): chr17:77,497,341, G>A. VCF-style: chr17-77497341-G-A. GRCh37 (hg19) VCF-style: chr17-75493423-G-A.
Other names: c.847G>A, p.Ala283Thr (NM_001293698.2, NM_001113495.2, NM_001113496.2 and 1 more transcripts); c.1546G>A, p.Ala516Thr (NM_006640.5); c.1108G>A, p.Ala370Thr (NM_001113492.2, NM_001113494.1); c.1579G>A, p.Ala527Thr (NM_001113493.2); c.1543G>A, p.Ala515Thr (NM_001293695.2); c.928G>A, p.Ala310Thr (NM_001293696.2); short protein forms A283T, A515T, A310T, A370T, A516T, A527T, A534T.
Identifiers: ClinVar variation 2966456 (VCV002966456.3), dbSNP rs747674472, ClinGen allele CA8793863.
Genomic context (GRCh38, chr17:77,497,341, plus strand): 5'-GGGACATTAAAGCCCCTCCTGTCTCCTCTCCTAGTTGAAAACACCACACACTGTGAGTTT[G>A]CCTACCTGCGGGACCTTCTCATCAGGTGAGAGACAGGGTGCTTGGGTGGGGCTGACGGCT-3'
Protein context (NP_001106963.1, residues 524-544): EVENTTHCEF[Ala534Thr]YLRDLLIRTH